The following is an entry in ClinVar:

ClinVar aggregate classification (germline): Pathogenic/Likely pathogenic. Review status: criteria provided, multiple submitters, no conflicts (2 of 4 stars). 4 submissions from 4 submitters: Pathogenic (3); Likely pathogenic (1). Last evaluated 2024-03-29.

Conditions:
TSPEAR-related disorder. Also called: TSPEAR-related condition.
Tooth agenesis, selective, 10 (STHAG10). Identifiers: MedGen C5774277, MONDO:0859339, OMIM 620173.
Ectodermal dysplasia 14, hair/tooth type with or without hypohidrosis. Identifiers: Orphanet 685067, MedGen C4748560, MONDO:0032584, OMIM 618180.

Allele frequency attached by ClinVar (database versions not stated): gnomAD 0.00001; gnomAD exomes 0.00001.
gnomAD v4.1: 10 of 1,613,524 alleles (0.00062%); highest among the groups gnomAD compares: African/African-American, 0.012%; no homozygotes.

Submissions (4):

Genomic Medicine Center of Excellence, King Faisal Specialist Hospital and Research Centre
Classification: Pathogenic for Tooth agenesis, selective, 10. Last evaluated: 2024-03-29. Review status: criteria provided, single submitter. Criteria: ACMG Guidelines, 2015. Collection method: clinical testing. Allele origin: germline.

Labcorp Genetics (formerly Invitae), Labcorp
Classification: Pathogenic. Last evaluated: 2024-02-25. Review status: criteria provided, single submitter. Criteria: Invitae Variant Classification Sherloc (09022015). Collection method: clinical testing. Allele origin: germline.
Comment: This sequence change creates a premature translational stop signal (p.Tyr263*) in the TSPEAR gene. It is expected to result in an absent or disrupted protein product. Loss-of-function variants in TSPEAR are known to be pathogenic (PMID: 34042254). This variant is not present in population databases (gnomAD no frequency). This variant has not been reported in the literature in individuals affected with TSPEAR-related conditions. ClinVar contains an entry for this variant (Variation ID: 1030229). Algorithms developed to predict the effect of sequence changes on RNA splicing suggest that this variant may disrupt the consensus splice site. For these reasons, this variant has been classified as Pathogenic.

Blueprint Genetics
Classification: Likely pathogenic for TSPEAR-related disorders. Last evaluated: 2022-08-19. Review status: criteria provided, single submitter. Criteria: ACMG Guidelines, 2015. Collection method: clinical testing. Allele origin: germline. Affected: yes. Observed: 1 variant allele.

Baylor Genetics
Classification: Pathogenic for Ectodermal dysplasia 14, hair/tooth type with or without hypohidrosis. Last evaluated: 2019-11-07. Review status: criteria provided, single submitter. Criteria: ACMG Guidelines, 2015. Collection method: clinical testing. Allele origin: unknown. Affected: yes.
Comment: This variant was determined to be pathogenic according to ACMG Guidelines, 2015 [PMID:25741868].

Literature cited by the submitters: PubMed 34042254 (cited by Labcorp Genetics (formerly Invitae), Labcorp).

NM_144991.3(TSPEAR):c.789T>G (p.Tyr263Ter)

Gene: TSPEAR (thrombospondin type laminin G domain and EAR repeats; minus strand). Cytogenetic location: 21q22.3.
Variant type: single nucleotide variant.
Coding change: c.789T>G on transcript NM_144991.3 (MANE Select); coding-DNA position 789, T replaced by G.
Protein change: p.Tyr263Ter; replaces tyrosine 263 with a stop codon.
Molecular consequence: nonsense.
Genome position (GRCh38, 1-based): chr21:44,529,799, A>C on the plus strand (T>G on the coding strand, the complement: TSPEAR is on the minus strand). VCF-style: chr21-44529799-A-C. GRCh37 (hg19) VCF-style: chr21-45949682-A-C.
Other names: c.585T>G, p.Tyr195Ter (NM_001272037.2); short protein forms Y263*, Y195*.
Identifiers: ClinVar variation 1030229 (VCV001030229.7), dbSNP rs966162330, ClinGen allele CA321816127.